The following is an entry in ClinVar:

ClinVar aggregate classification (germline): Uncertain significance (1 of 4 stars; one submission).

Submission:

Labcorp Genetics (formerly Invitae), Labcorp
Classification: Uncertain significance. Last evaluated: 2024-09-18. Review status: criteria provided, single submitter. Criteria: Invitae Variant Classification Sherloc (09022015). Collection method: clinical testing. Allele origin: germline.
Comment: This sequence change replaces proline, which is neutral and non-polar, with threonine, which is neutral and polar, at codon 763 of the TET2 protein (p.Pro763Thr). This variant is not present in population databases (gnomAD no frequency). This variant has not been reported in the literature in individuals affected with TET2-related conditions. An algorithm developed to predict the effect of missense changes on protein structure and function (PolyPhen-2) suggests that this variant is likely to be tolerated. In summary, the available evidence is currently insufficient to determine the role of this variant in disease. Therefore, it has been classified as a Variant of Uncertain Significance.

NM_001127208.3(TET2):c.2287C>A (p.Pro763Thr)

Genes: TET2 (tet methylcytosine dioxygenase 2; plus strand), TET2-AS1 (TET2 antisense RNA 1; minus strand). Cytogenetic location: 4q24.
Variant type: single nucleotide variant.
Coding change: c.2287C>A on transcript NM_001127208.3 (MANE Select); coding-DNA position 2287, C replaced by A.
Protein change: p.Pro763Thr; replaces proline 763 with threonine.
Molecular consequence: missense variant.
Genome position (GRCh38, 1-based): chr4:105,236,229, C>A. VCF-style: chr4-105236229-C-A. GRCh37 (hg19) VCF-style: chr4-106157386-C-A.
Other names: c.2287C>A, p.Pro763Thr (NM_017628.4); short protein forms P763T.
Identifiers: ClinVar variation 3717942 (VCV003717942.2).
Genomic context (GRCh38, chr4:105,236,229, plus strand): 5'-CAACAGCAGCAAAAATTACAAATAAAGAATAAAGAGGAAATACTCCAGACTTTTCCTCAC[C>A]CCCAAAGCAACAATGATCAGCAAAGAGAAGGATCATTCTTTGGCCAGACTAAAGTGGAAG-3'
Protein context (NP_001120680.1, residues 753-773): KEEILQTFPH[Pro763Thr]QSNNDQQREG